The following is an entry in ClinVar:

NM_001042492.3(NF1):c.3189T>A (p.Cys1063Ter)

Gene: NF1 (neurofibromin 1; plus strand). Cytogenetic location: 17q11.2.
Variant type: single nucleotide variant.
Coding change: c.3189T>A on transcript NM_001042492.3 (MANE Select); coding-DNA position 3189, T replaced by A.
Protein change: p.Cys1063Ter; replaces cysteine 1063 with a stop codon.
Molecular consequence: nonsense.
Genome position (GRCh38, 1-based): chr17:31,230,917, T>A. VCF-style: chr17-31230917-T-A. GRCh37 (hg19) VCF-style: chr17-29557935-T-A.
Other names: c.3189T>A, p.Cys1063Ter (NM_000267.4); short protein forms C1063*.
Identifiers: ClinVar variation 431620 (VCV000431620.11), dbSNP rs1135402841, ClinGen allele CA398988286.

ClinVar aggregate classification (germline): Pathogenic. Review status: criteria provided, multiple submitters, no conflicts (2 of 4 stars). 3 submissions from 3 submitters: Pathogenic (2). 1 of the submissions does not count toward it. Last evaluated 2021-12-03.

Conditions:
Hereditary cancer-predisposing syndrome. Also called: Hereditary neoplastic syndrome; Tumor predisposition; Neoplastic Syndromes, Hereditary; Hereditary Cancer Syndrome. Identifiers: Orphanet 140162, MedGen C0027672, MeSH D009386, MONDO:0015356.
Cardiovascular phenotype. Identifiers: MedGen CN230736.
Neurofibromatosis, type 1 (NF1). Also called: Neurofibromatosis, type I; NEUROFIBROMATOSIS, TYPE I, SOMATIC; Peripheral type neurofibromatosis; VON RECKLINGHAUSEN DISEASE. Identifiers: Orphanet 636, MedGen C0027831, MONDO:0018975, OMIM 162200. Disease mechanism: loss of function.

Submissions (3):

Ambry Genetics
Classification: Pathogenic for Cardiovascular phenotype; Hereditary cancer-predisposing syndrome. Last evaluated: 2021-12-03. Review status: criteria provided, single submitter. Criteria: Ambry Variant Classification Scheme 2023. Collection method: clinical testing. Allele origin: germline.
Comment: The p.C1063* pathogenic mutation (also known as c.3189T>A), located in coding exon 24 of the NF1 gene, results from a T to A substitution at nucleotide position 3189. This changes the amino acid from a cysteine to a stop codon within coding exon 24. This alteration has been reported in a cohort of patients with neurofibromatosis type I (Bonatti F et al. Int J Mol Sci, 2017 Sep;18:). This alteration is expected to result in loss of function by premature protein truncation or nonsense-mediated mRNA decay. As such, this alteration is interpreted as a disease-causing mutation.

Labcorp Genetics (formerly Invitae), Labcorp
Classification: Pathogenic for Neurofibromatosis, type 1. Last evaluated: 2021-04-02. Review status: criteria provided, single submitter. Criteria: Invitae Variant Classification Sherloc (09022015). Collection method: clinical testing. Allele origin: germline.
Comment: This variant has been observed in individual(s) with neurofibromatosis type I (PMID: 28961165). ClinVar contains an entry for this variant (Variation ID: 431620). For these reasons, this variant has been classified as Pathogenic. This variant is not present in population databases (ExAC no frequency). This sequence change creates a premature translational stop signal (p.Cys1063*) in the NF1 gene. It is expected to result in an absent or disrupted protein product. Loss-of-function variants in NF1 are known to be pathogenic (PMID: 10712197, 23913538).

Medical Genetics, University of Parma
Classification: Pathogenic for Neurofibromatosis type 1. Last evaluated: 2017-02-02. Review status: no assertion criteria provided. Collection method: clinical testing. Allele origin: germline. Affected: yes. Not counted in ClinVar's aggregate classification.

Literature cited by the submitters: PubMed 28961165 (cited by Labcorp Genetics (formerly Invitae), Labcorp); PubMed 10712197 (cited by Labcorp Genetics (formerly Invitae), Labcorp); PubMed 23913538 (cited by Labcorp Genetics (formerly Invitae), Labcorp).